The following is an entry in ClinVar:

ClinVar aggregate classification (germline): Benign. Review status: criteria provided, multiple submitters, no conflicts (2 of 4 stars). 3 submissions from 3 submitters: Benign (3). Last evaluated 2024-07-31.

Allele frequency attached by ClinVar (database versions not stated): 1000 Genomes Project 30x 0.27092; gnomAD 0.30512 and 0.30843; gnomAD exomes 0.31158; 1000 Genomes Project 0.27256; TOPMed 0.30311.
gnomAD v4.1: 389,315 of 1,254,610 alleles (31%); highest among the groups gnomAD compares: Non-Finnish European, 32%; 61,098 homozygotes.

Submissions (3):

Unidad de Genómica Garrahan, Hospital de Pediatría Garrahan
Classification: Benign. Last evaluated: 2024-07-31. Review status: criteria provided, single submitter. Criteria: ACMG Guidelines, 2015. Collection method: clinical testing. Allele origin: germline. Affected: no. Observed: 43 variant alleles.
Comment: This variant is classified as Benign based on local population frequency. This variant was detected in 46% of patients studied in a panel designed for Epileptic and Developmental Encephalopathy, Progressive Myoclonus Epilepsy and Abnormal Movements and Neurodegeneration with brain iron accumulation. Number of patients: 43. Only high quality variants are reported.

GeneDx
Classification: Benign. Last evaluated: 2019-11-29. Review status: criteria provided, single submitter. Criteria: GeneDx Variant Classification Process June 2021. Collection method: clinical testing. Allele origin: germline. Affected: yes.

Breakthrough Genomics
Classification: Benign. Review status: criteria provided, single submitter. Criteria: ACMG Guidelines, 2015. Collection method: not provided. Allele origin: germline. Inheritance: Autosomal recessive inheritance. Affected: yes.

NM_012301.4(MAGI2):c.3031+85C>T

Gene: MAGI2 (membrane associated guanylate kinase, WW and PDZ domain containing 2; minus strand). Cytogenetic location: 7q21.11.
Variant type: single nucleotide variant.
Coding change: c.3031+85C>T on transcript NM_012301.4 (MANE Select); 85 bases into the intron after coding-DNA position 3031, C replaced by T.
Molecular consequence: intron variant.
Genome position (GRCh38, 1-based): chr7:78,134,936, G>A on the plus strand (C>T on the coding strand, the complement: MAGI2 is on the minus strand). VCF-style: chr7-78134936-G-A. GRCh37 (hg19) VCF-style: chr7-77764253-G-A.
Other names: c.2989+85C>T (NM_001301128.2).
Identifiers: ClinVar variation 1278718 (VCV001278718.4), dbSNP rs1465221, ClinGen allele CA12615712.